The following is an entry in ClinVar:

NM_203447.4(DOCK8):c.739G>A (p.Glu247Lys)

Gene: DOCK8 (dedicator of cytokinesis 8; plus strand). Cytogenetic location: 9p24.3.
Variant type: single nucleotide variant.
Coding change: c.739G>A on transcript NM_203447.4 (MANE Select); coding-DNA position 739, G replaced by A.
Protein change: p.Glu247Lys; replaces glutamic acid 247 with lysine.
Molecular consequence: missense variant.
Genome position (GRCh38, 1-based): chr9:312,164, G>A. VCF-style: chr9-312164-G-A. GRCh37 (hg19) VCF-style: chr9-312164-G-A.
Other names: c.535G>A, p.Glu179Lys (NM_001190458.2, NM_001193536.2); short protein forms E179K, E247K.
Identifiers: ClinVar variation 845953 (VCV000845953.10), dbSNP rs780285682, ClinGen allele CA4957379.

ClinVar aggregate classification (germline): Uncertain significance (1 of 4 stars; one submission).

Conditions:
Combined immunodeficiency due to DOCK8 deficiency (HIES2). Also called: HIES autosomal recessive; DOCK8 Deficiency; HYPER-IgE RECURRENT INFECTION SYNDROME 2, AUTOSOMAL RECESSIVE; HYPER-IgE SYNDROME 2, AUTOSOMAL RECESSIVE, WITH RECURRENT INFECTIONS; Hyper-IgE recurrent infection syndrome, autosomal recessive. Identifiers: Orphanet 217390, MedGen C4722305, MONDO:0009478, OMIM 243700.

Allele frequency attached by ClinVar (database versions not stated): gnomAD exomes below 0.00001 and 0.00001; ExAC 0.00001; gnomAD 0.00001; TOPMed 0.00002.
gnomAD v4.1: 21 of 1,613,940 alleles (0.0013%); highest among the groups gnomAD compares: Middle Eastern, 0.016%; no homozygotes.

Submission:

Labcorp Genetics (formerly Invitae), Labcorp
Classification: Uncertain significance for Combined immunodeficiency due to DOCK8 deficiency. Last evaluated: 2020-09-01. Review status: criteria provided, single submitter. Criteria: Invitae Variant Classification Sherloc (09022015). Collection method: clinical testing. Allele origin: germline.
Comment: In summary, the available evidence is currently insufficient to determine the role of this variant in disease. Therefore, it has been classified as a Variant of Uncertain Significance. Algorithms developed to predict the effect of missense changes on protein structure and function output the following: SIFT: "Tolerated"; PolyPhen-2: "Benign"; Align-GVGD: "Class C0". The lysine amino acid residue is found in multiple mammalian species, suggesting that this missense change does not adversely affect protein function. These predictions have not been confirmed by published functional studies and their clinical significance is uncertain. This variant has not been reported in the literature in individuals with DOCK8-related conditions. This variant is present in population databases (rs780285682, ExAC 0.002%). This sequence change replaces glutamic acid with lysine at codon 247 of the DOCK8 protein (p.Glu247Lys). The glutamic acid residue is moderately conserved and there is a small physicochemical difference between glutamic acid and lysine.